The following is an entry in ClinVar:

NM_001040142.2(SCN2A):c.1526A>G (p.Lys509Arg)

Gene: SCN2A (sodium voltage-gated channel alpha subunit 2; plus strand). Cytogenetic location: 2q24.3.
Variant type: single nucleotide variant.
Coding change: c.1526A>G on transcript NM_001040142.2 (MANE Select); coding-DNA position 1526, A replaced by G.
Protein change: p.Lys509Arg; replaces lysine 509 with arginine.
Molecular consequence: missense variant.
Genome position (GRCh38, 1-based): chr2:165,315,613, A>G. VCF-style: chr2-165315613-A-G. GRCh37 (hg19) VCF-style: chr2-166172123-A-G.
Other names: c.1526A>G, p.Lys509Arg (NM_001040143.2, NM_001371246.1, NM_001371247.1 and 1 more transcripts); short protein forms K509R.
Identifiers: ClinVar variation 207086 (VCV000207086.28), dbSNP rs796053201, ClinGen allele CA318202.
Genomic context (GRCh38, chr2:165,315,613, plus strand): 5'-TAGCATCTAAGTTGAGCTCCAAAAGTGAAAAAGAGCTGAAAAACAGAAGAAAGAAAAAGA[A>G]ACAGAAAGAACAGTCTGGAGAAGAAGAGAAAAATGACAGAGTCCGAAAATCGGAATCTGA-3'
Protein context (NP_001035232.1, residues 499-519): KELKNRRKKK[Lys509Arg]QKEQSGEEEK

ClinVar aggregate classification (germline): Conflicting classifications of pathogenicity. Review status: criteria provided, conflicting classifications (1 of 4 stars). 4 submissions from 4 submitters: Uncertain significance (3); Likely benign (1). Last evaluated 2026-03-09.

Conditions:
Developmental and epileptic encephalopathy, 11 (DEE11). Also called: Early infantile epileptic encephalopathy 11. Identifiers: Orphanet 1934, MedGen C3150987, MONDO:0013388, OMIM 613721.
Seizures, benign familial infantile, 3 (BFIS3). Also called: CONVULSIONS, BENIGN FAMILIAL INFANTILE, 3; Familial neonatal seizures. Identifiers: Orphanet 140927, Orphanet 306, MedGen C1843140, MONDO:0011904, OMIM 607745.
Inborn genetic diseases. Identifiers: MedGen C0950123, MeSH D030342.

Allele frequency attached by ClinVar (database versions not stated): gnomAD exomes 0.00001; TOPMed 0.00002; gnomAD 0.00003.
gnomAD v4.1: 21 of 1,613,966 alleles (0.0013%); highest among the groups gnomAD compares: Non-Finnish European, 0.0018%; no homozygotes.

Submissions (4):

Institute of Human Genetics, University of Leipzig Medical Center
Classification: Likely benign for Developmental and epileptic encephalopathy, 11. Last evaluated: 2026-03-09. Review status: criteria provided, single submitter. Criteria: ACMG Guidelines, 2015. Collection method: clinical testing. Allele origin: unknown. Inheritance: Autosomal dominant inheritance. Affected: yes.
Comment: Criteria applied: BS1,BP4

Labcorp Genetics (formerly Invitae), Labcorp
Classification: Uncertain significance for Seizures, benign familial infantile, 3; Developmental and epileptic encephalopathy, 11. Last evaluated: 2025-06-15. Review status: criteria provided, single submitter. Criteria: Invitae Variant Classification Sherloc (09022015). Collection method: clinical testing. Allele origin: germline.
Comment: This sequence change replaces lysine, which is basic and polar, with arginine, which is basic and polar, at codon 509 of the SCN2A protein (p.Lys509Arg). The frequency data for this variant in the population databases is considered unreliable, as metrics indicate poor data quality at this position in the gnomAD database. This missense change has been observed in individual(s) with seizures (PMID: 25131622). ClinVar contains an entry for this variant (Variation ID: 207086). Invitae Evidence Modeling of protein sequence and biophysical properties (such as structural, functional, and spatial information, amino acid conservation, physicochemical variation, residue mobility, and thermodynamic stability) indicates that this missense variant is not expected to disrupt SCN2A protein function with a negative predictive value of 95%. In summary, the available evidence is currently insufficient to determine the role of this variant in disease. Therefore, it has been classified as a Variant of Uncertain Significance.

CeGaT Center for Human Genetics Tuebingen
Classification: Uncertain significance. Last evaluated: 2024-11-01. Review status: criteria provided, single submitter. Criteria: CeGaT Center For Human Genetics Tuebingen Variant Classification Criteria Version 2. Collection method: clinical testing. Allele origin: germline. Affected: yes. Observed: 1 variant allele.

Ambry Genetics
Classification: Uncertain significance for Inborn genetic diseases. Last evaluated: 2017-03-17. Review status: criteria provided, single submitter. Criteria: Ambry Variant Classification Scheme 2023. Collection method: clinical testing. Allele origin: germline.
Comment: The p.K509R variant (also known as c.1526A>G), located in coding exon 10 of the SCN2A gene, results from an A to G substitution at nucleotide position 1526. The lysine at codon 509 is replaced by arginine, an amino acid with highly similar properties. This variant has been reported in an individual with early infantile epileptic encephalopathy and was detected using whole exome sequencing; however, no further clinical information was provided and inheritance of the alteration was unknown (Srivastava et al. Ann Neurol. 2014 Oct;76(4):473-83). This amino acid position is highly conserved in available vertebrate species. In addition, the in silico prediction for this alteration is inconclusive. Since supporting evidence is limited at this time, the clinical significance of this alteration remains unclear.

Literature cited by the submitters: PubMed 25131622 (cited by Labcorp Genetics (formerly Invitae), Labcorp and Ambry Genetics).